The following is an entry in ClinVar:

NM_002299.4(LCT):c.3518G>T (p.Gly1173Val)

Gene: LCT (lactase; minus strand). Cytogenetic location: 2q21.3.
Variant type: single nucleotide variant.
Coding change: c.3518G>T on transcript NM_002299.4 (MANE Select); coding-DNA position 3518, G replaced by T.
Protein change: p.Gly1173Val; replaces glycine 1173 with valine.
Molecular consequence: missense variant.
Genome position (GRCh38, 1-based): chr2:135,808,829, C>A on the plus strand (G>T on the coding strand, the complement: LCT is on the minus strand). VCF-style: chr2-135808829-C-A. GRCh37 (hg19) VCF-style: chr2-136566399-C-A.
Other names: short protein forms G1173V.
Identifiers: ClinVar variation 2119303 (VCV002119303.4), dbSNP rs2467217379, ClinGen allele CA348599466.

ClinVar aggregate classification (germline): Uncertain significance (1 of 4 stars; one submission).

Submission:

Labcorp Genetics (formerly Invitae), Labcorp
Classification: Uncertain significance. Last evaluated: 2022-09-01. Review status: criteria provided, single submitter. Criteria: Invitae Variant Classification Sherloc (09022015). Collection method: clinical testing. Allele origin: germline.
Comment: In summary, the available evidence is currently insufficient to determine the role of this variant in disease. Therefore, it has been classified as a Variant of Uncertain Significance. Algorithms developed to predict the effect of missense changes on protein structure and function are either unavailable or do not agree on the potential impact of this missense change (SIFT: "Not Available"; PolyPhen-2: "Probably Damaging"; Align-GVGD: "Not Available"). This variant has not been reported in the literature in individuals affected with LCT-related conditions. This variant is not present in population databases (gnomAD no frequency). This sequence change replaces glycine, which is neutral and non-polar, with valine, which is neutral and non-polar, at codon 1173 of the LCT protein (p.Gly1173Val).